The following is an entry in ClinVar:

NM_000460.4(THPO):c.688C>T (p.Pro230Ser)

Gene: THPO (thrombopoietin; minus strand). Cytogenetic location: 3q27.1.
Variant type: single nucleotide variant.
Coding change: c.688C>T on transcript NM_000460.4 (MANE Select); coding-DNA position 688, C replaced by T.
Protein change: p.Pro230Ser; replaces proline 230 with serine.
Molecular consequence: missense variant.
Genome position (GRCh38, 1-based): chr3:184,372,887, G>A on the plus strand (C>T on the coding strand, the complement: THPO is on the minus strand). VCF-style: chr3-184372887-G-A. GRCh37 (hg19) VCF-style: chr3-184090675-G-A.
Other names: c.676C>T, p.Pro226Ser (NM_001177597.2, NM_001290022.1); c.671C>T, p.Ser224Phe (NM_001177598.2, NM_001290026.1); c.572C>T, p.Ser191Phe (NM_001289997.1, NM_001290027.1); c.688C>T, p.Pro230Ser (NM_001289998.1, NM_001290028.1); c.1108C>T, p.Pro370Ser (NM_001290003.1); short protein forms P230S, P370S, S224F, P226S, S191F.
Identifiers: ClinVar variation 3968544 (VCV003968544.2).

ClinVar aggregate classification (germline): Uncertain significance. Review status: criteria provided, multiple submitters, no conflicts (2 of 4 stars). 2 submissions from 2 submitters: Uncertain significance (2). Last evaluated 2026-02-02.

Conditions:
Inborn genetic diseases. Identifiers: MedGen C0950123, MeSH D030342.

Submissions (2):

Labcorp Genetics (formerly Invitae), Labcorp
Classification: Uncertain significance. Last evaluated: 2026-02-02. Review status: criteria provided, single submitter. Criteria: Invitae Variant Classification Sherloc (09022015). Collection method: clinical testing. Allele origin: germline.
Comment: This sequence change replaces proline, which is neutral and non-polar, with serine, which is neutral and polar, at codon 230 of the THPO protein (p.Pro230Ser). This variant is not present in population databases (gnomAD no frequency). This variant has not been reported in the literature in individuals affected with THPO-related conditions. ClinVar contains an entry for this variant (Variation ID: 3968544). Invitae Evidence Modeling of protein sequence and biophysical properties (such as structural, functional, and spatial information, amino acid conservation, physicochemical variation, residue mobility, and thermodynamic stability) indicates that this missense variant is not expected to disrupt THPO protein function with a negative predictive value of 80%. In summary, the available evidence is currently insufficient to determine the role of this variant in disease. Therefore, it has been classified as a Variant of Uncertain Significance.

Ambry Genetics
Classification: Uncertain significance for Inborn genetic diseases. Last evaluated: 2025-05-19. Review status: criteria provided, single submitter. Criteria: Ambry Variant Classification Scheme 2023. Collection method: clinical testing. Allele origin: germline.